The following is an entry in ClinVar:

NM_003055.3(SLC18A3):c.1564G>A (p.Glu522Lys)

Genes: CHAT (choline O-acetyltransferase; plus strand), SLC18A3 (solute carrier family 18 member A3; plus strand). Cytogenetic location: 10q11.23.
Variant type: single nucleotide variant.
Coding change: c.1564G>A on transcript NM_003055.3 (MANE Select); coding-DNA position 1564, G replaced by A.
Protein change: p.Glu522Lys; replaces glutamic acid 522 with lysine.
Molecular consequence: missense variant. On other transcripts: intron variant (1).
Genome position (GRCh38, 1-based): chr10:49,612,304, G>A. VCF-style: chr10-49612304-G-A. GRCh37 (hg19) VCF-style: chr10-50820350-G-A.
Other names: c.-69+3105G>A (NM_020984.4); short protein forms E522K.
Identifiers: ClinVar variation 1440305 (VCV001440305.6), dbSNP rs1188732382, ClinGen allele CA376724027.
Genomic context (GRCh38, chr10:49,612,304, plus strand): 5'-CGTCCTGTGTCTGGCCAGGACGGCGAGCCTCGCAGCCCGCCTGGCCCTTTTGATGCGTGC[G>A]AGGACGACTACAACTACTACTACACCCGCAGCTAGCATCCCCACTCCTCCTCCAGCCCAC-3'
Protein context (NP_003046.2, residues 512-532): RSPPGPFDAC[Glu522Lys]DDYNYYYTRS

ClinVar aggregate classification (germline): Uncertain significance (1 of 4 stars; one submission).

Allele frequency attached by ClinVar (database versions not stated): gnomAD 0.00001; gnomAD exomes 0.00001 and below 0.00001; TOPMed 0.00001.
gnomAD v4.1: 13 of 1,609,106 alleles (0.00081%); highest among the groups gnomAD compares: East Asian, 0.0045%; no homozygotes.

Submission:

Labcorp Genetics (formerly Invitae), Labcorp
Classification: Uncertain significance. Last evaluated: 2021-12-08. Review status: criteria provided, single submitter. Criteria: Invitae Variant Classification Sherloc (09022015). Collection method: clinical testing. Allele origin: germline.
Comment: In summary, the available evidence is currently insufficient to determine the role of this variant in disease. Therefore, it has been classified as a Variant of Uncertain Significance. Algorithms developed to predict the effect of missense changes on protein structure and function (SIFT, PolyPhen-2, Align-GVGD) all suggest that this variant is likely to be tolerated. This variant has not been reported in the literature in individuals affected with SLC18A3-related conditions. This variant is present in population databases (no rsID available, gnomAD 0.0009%). This sequence change replaces glutamic acid, which is acidic and polar, with lysine, which is basic and polar, at codon 522 of the SLC18A3 protein (p.Glu522Lys).